The following is an entry in ClinVar:

NM_177972.3(TUB):c.1180A>G (p.Met394Val)

Genes: RIC3 (RIC3 acetylcholine receptor chaperone; minus strand), TUB (TUB bipartite transcription factor; plus strand). Cytogenetic location: 11p15.4.
Variant type: single nucleotide variant.
Coding change: c.1180A>G on transcript NM_177972.3 (MANE Select); coding-DNA position 1180, A replaced by G.
Protein change: p.Met394Val; replaces methionine 394 with valine.
Molecular consequence: missense variant.
Genome position (GRCh38, 1-based): chr11:8,100,566, A>G. VCF-style: chr11-8100566-A-G. GRCh37 (hg19) VCF-style: chr11-8122113-A-G.
Other names: c.1345A>G, p.Met449Val (NM_003320.5); short protein forms M449V, M394V.
Identifiers: ClinVar variation 972394 (VCV000972394.8), dbSNP rs139456896, ClinGen allele CA5871385.

ClinVar aggregate classification (germline): Conflicting classifications of pathogenicity. Review status: criteria provided, conflicting classifications (1 of 4 stars). 3 submissions from 3 submitters: Uncertain significance (1); Benign (1). 1 of the submissions does not count toward it. Last evaluated 2024-06-25.

Conditions:
TUB-related disorder. Also called: TUB-related condition.

Allele frequency attached by ClinVar (database versions not stated): 1000 Genomes Project 0.00020; ExAC 0.00026; gnomAD exomes 0.00028; 1000 Genomes Project 30x 0.00031; TOPMed 0.00034; gnomAD 0.00035 and 0.00037; ESP Exome Variant Server 0.00077.
gnomAD v4.1: 573 of 1,614,120 alleles (0.035%); highest among the groups gnomAD compares: Non-Finnish European, 0.04%; no homozygotes.

Submissions (3):

Blueprint Genetics
Classification: Benign. Last evaluated: 2024-06-25. Review status: criteria provided, single submitter. Criteria: ACMG Guidelines, 2015. Collection method: clinical testing. Allele origin: germline.

Labcorp Genetics (formerly Invitae), Labcorp
Classification: Uncertain significance. Last evaluated: 2022-10-18. Review status: criteria provided, single submitter. Criteria: Invitae Variant Classification Sherloc (09022015). Collection method: clinical testing. Allele origin: germline.
Comment: This sequence change replaces methionine, which is neutral and non-polar, with valine, which is neutral and non-polar, at codon 449 of the TUB protein (p.Met449Val). This variant is present in population databases (rs139456896, gnomAD 0.2%). This variant has not been reported in the literature in individuals affected with TUB-related conditions. ClinVar contains an entry for this variant (Variation ID: 972394). Algorithms developed to predict the effect of missense changes on protein structure and function (SIFT, PolyPhen-2, Align-GVGD) all suggest that this variant is likely to be tolerated. In summary, the available evidence is currently insufficient to determine the role of this variant in disease. Therefore, it has been classified as a Variant of Uncertain Significance.

PreventionGenetics, part of Exact Sciences
Classification: Likely benign for TUB-related condition. Last evaluated: 2022-02-14. Review status: no assertion criteria provided. Collection method: clinical testing. Allele origin: germline. Not counted in ClinVar's aggregate classification.
Comment: This variant is classified as likely benign based on ACMG/AMP sequence variant interpretation guidelines (Richards et al. 2015 PMID: 25741868, with internal and published modifications).